The following is an entry in ClinVar:

NM_005633.4(SOS1):c.906T>G (p.Ile302Met)

Gene: SOS1 (SOS Ras/Rac guanine nucleotide exchange factor 1; minus strand). Cytogenetic location: 2p22.1.
Variant type: single nucleotide variant.
Coding change: c.906T>G on transcript NM_005633.4 (MANE Select); coding-DNA position 906, T replaced by G.
Protein change: p.Ile302Met; replaces isoleucine 302 with methionine.
Molecular consequence: missense variant.
Genome position (GRCh38, 1-based): chr2:39,035,459, A>C on the plus strand (T>G on the coding strand, the complement: SOS1 is on the minus strand). VCF-style: chr2-39035459-A-C. GRCh37 (hg19) VCF-style: chr2-39262600-A-C.
Other names: c.885T>G, p.Ile295Met (NM_001382394.1); c.906T>G, p.Ile302Met (NM_001382395.1); c.906T>G (NM_005633.3); short protein forms I302M, I295M.
Identifiers: ClinVar variation 1478540 (VCV001478540.11), dbSNP rs2124562866, ClinGen allele CA346367431.

ClinVar aggregate classification (germline): Uncertain significance. Review status: criteria provided, multiple submitters, no conflicts (2 of 4 stars). 3 submissions from 3 submitters: Uncertain significance (3). Last evaluated 2026-08-24.

Conditions:
Cardiovascular phenotype. Identifiers: MedGen CN230736.
SOS1-related disorder. Also called: SOS1-related condition.
RASopathy. Also called: rasopathies; Noonan spectrum disorder. Identifiers: Orphanet 536391, MedGen C5555857, MONDO:0021060.

Submissions (3):

Ambry Genetics
Classification: Uncertain significance for Cardiovascular phenotype. Last evaluated: 2026-08-24. Review status: criteria provided, single submitter. Criteria: Ambry Variant Classification Scheme 2023. Collection method: clinical testing. Allele origin: germline.
Comment: The p.I302M variant (also known as c.906T>G), located in coding exon 7 of the SOS1 gene, results from a T to G substitution at nucleotide position 906. The isoleucine at codon 302 is replaced by methionine, an amino acid with highly similar properties. This amino acid position is conserved. In addition, the in silico prediction for this alteration is inconclusive. Based on the available evidence, the clinical significance of this variant remains unclear.

PreventionGenetics, part of Exact Sciences
Classification: Uncertain significance for SOS1-related condition. Last evaluated: 2024-10-18. Review status: criteria provided, single submitter. Criteria: ACMG Guidelines, 2015. Collection method: clinical testing. Allele origin: germline.
Comment: The SOS1 c.906T>G variant is predicted to result in the amino acid substitution p.Ile302Met. To our knowledge, this variant has not been reported in the literature or in a large population database (gnomAD), indicating this variant is rare. At this time, the clinical significance of this variant is uncertain due to the absence of conclusive functional and genetic evidence.

Labcorp Genetics (formerly Invitae), Labcorp
Classification: Uncertain significance for RASopathy. Last evaluated: 2024-07-23. Review status: criteria provided, single submitter. Criteria: Invitae Variant Classification Sherloc (09022015). Collection method: clinical testing. Allele origin: germline.
Comment: This sequence change replaces isoleucine, which is neutral and non-polar, with methionine, which is neutral and non-polar, at codon 302 of the SOS1 protein (p.Ile302Met). This variant is not present in population databases (gnomAD no frequency). This variant has not been reported in the literature in individuals affected with SOS1-related conditions. ClinVar contains an entry for this variant (Variation ID: 1478540). Advanced modeling of protein sequence and biophysical properties (such as structural, functional, and spatial information, amino acid conservation, physicochemical variation, residue mobility, and thermodynamic stability) performed at Invitae indicates that this missense variant is not expected to disrupt SOS1 protein function with a negative predictive value of 80%. In summary, the available evidence is currently insufficient to determine the role of this variant in disease. Therefore, it has been classified as a Variant of Uncertain Significance.